The following is an entry in ClinVar:

ClinVar aggregate classification (germline): Uncertain significance (1 of 4 stars; one submission).

Submission:

Labcorp Genetics (formerly Invitae), Labcorp
Classification: Uncertain significance. Last evaluated: 2024-02-24. Review status: criteria provided, single submitter. Criteria: Invitae Variant Classification Sherloc (09022015). Collection method: clinical testing. Allele origin: germline.
Comment: This variant, c.1156_1161del, results in the deletion of 2 amino acid(s) of the NFKB1 protein (p.Gly386_Gly387del), but otherwise preserves the integrity of the reading frame. This variant is present in population databases (no rsID available, gnomAD 0.003%). This variant has not been reported in the literature in individuals affected with NFKB1-related conditions. Experimental studies and prediction algorithms are not available or were not evaluated, and the functional significance of this variant is currently unknown. In summary, the available evidence is currently insufficient to determine the role of this variant in disease. Therefore, it has been classified as a Variant of Uncertain Significance.

NM_003998.4(NFKB1):c.1150GGAGGC[1] (p.Gly386_Gly387del)

Gene: NFKB1 (nuclear factor kappa B subunit 1; plus strand). Cytogenetic location: 4q24.
Variant type: Microsatellite.
Coding change: c.1150GGAGGC[1] on transcript NM_003998.4 (MANE Select); one copy of the 6-base unit GGAGGC starting at c.1150; the reference has two copies in a row; one copy, 6 bases deleted.
Protein change: p.Gly386_Gly387del.
Molecular consequence: inframe deletion.
Genome position (GRCh38, 1-based): chr4:102,593,514-102,593,519, GGAGGC deleted; deleting any 6 consecutive bases within chr4:102,593,508-102,593,519 gives the same sequence; the position shown is the placement nearest the transcript's 3' end. VCF-style (leftmost placement, unchanged base first): chr4-102593507-TGGAGGC-T. GRCh37 (hg19) VCF-style: chr4-103514664-TGGAGGC-T.
Other names: c.1147GGAGGC[1], p.Gly385_Gly386del (NM_001165412.2, NM_001319226.2, NM_001382627.1); c.1150GGAGGC[1], p.Gly386_Gly387del (NM_001382625.1, NM_001382626.1); c.1108GGAGGC[1], p.Gly372_Gly373del (NM_001382628.1).
Identifiers: ClinVar variation 1352738 (VCV001352738.6), dbSNP rs1560703693, ClinGen allele CA553579231.